The following is an entry in ClinVar:

NM_000112.4(SLC26A2):c.779C>T (p.Ala260Val)

Gene: SLC26A2 (solute carrier family 26 member 2; plus strand). Cytogenetic location: 5q32.
Variant type: single nucleotide variant.
Coding change: c.779C>T on transcript NM_000112.4 (MANE Select); coding-DNA position 779, C replaced by T.
Protein change: p.Ala260Val; replaces alanine 260 with valine.
Molecular consequence: missense variant.
Genome position (GRCh38, 1-based): chr5:149,980,372, C>T. VCF-style: chr5-149980372-C-T. GRCh37 (hg19) VCF-style: chr5-149359935-C-T.
Other names: short protein forms A260V.
Identifiers: ClinVar variation 2415529 (VCV002415529.4), dbSNP rs772809990, ClinGen allele CA3505320.

ClinVar aggregate classification (germline): Uncertain significance (1 of 4 stars; one submission).

Conditions:
Achondrogenesis, type IB (ACG1B). Also called: Achondrogenesis Type 1B. Identifiers: Orphanet 932, Orphanet 93298, MedGen C0265274, MONDO:0010966, OMIM 600972.
Atelosteogenesis type II (AO2). Also called: NEONATAL OSSEOUS DYSPLASIA I; SLC26A2-Related Atelosteogenesis; Neonatal osseous dysplasia 1. Identifiers: Orphanet 56304, MedGen C1850554, MONDO:0009727, OMIM 256050.
Diastrophic dysplasia (DTD). Also called: Diastrophic dwarfism. Identifiers: Orphanet 628, MedGen C0220726, MONDO:0009107, OMIM 222600.
Multiple epiphyseal dysplasia type 4 (EDM4). Also called: SLC26A2-Related Multiple Epiphyseal Dysplasia; Multiple Epiphyseal Dysplasia, Recessive; MULTIPLE EPIPHYSEAL DYSPLASIA WITH BILAYERED PATELLAE; MULTIPLE EPIPHYSEAL DYSPLASIA WITH CLUBFOOT; MULTIPLE EPIPHYSEAL DYSPLASIA, AUTOSOMAL RECESSIVE. Identifiers: Orphanet 93307, MedGen C1847593, MONDO:0009189, OMIM 226900.

Allele frequency attached by ClinVar (database versions not stated): ExAC 0.00001.
gnomAD v4.1: 1 of 1,614,060 alleles (0.000062%); highest among the groups gnomAD compares: Non-Finnish European, 0.000085%; no homozygotes.

Submission:

Labcorp Genetics (formerly Invitae), Labcorp
Classification: Uncertain significance for Atelosteogenesis type II; Multiple epiphyseal dysplasia type 4; Achondrogenesis, type IB; Diastrophic dysplasia. Last evaluated: 2022-02-16. Review status: criteria provided, single submitter. Criteria: Invitae Variant Classification Sherloc (09022015). Collection method: clinical testing. Allele origin: germline.
Comment: This sequence change replaces alanine, which is neutral and non-polar, with valine, which is neutral and non-polar, at codon 260 of the SLC26A2 protein (p.Ala260Val). This variant is not present in population databases (gnomAD no frequency). This variant has not been reported in the literature in individuals affected with SLC26A2-related conditions. Algorithms developed to predict the effect of missense changes on protein structure and function are either unavailable or do not agree on the potential impact of this missense change (SIFT: "Deleterious"; PolyPhen-2: "Probably Damaging"; Align-GVGD: "Class C0"). In summary, the available evidence is currently insufficient to determine the role of this variant in disease. Therefore, it has been classified as a Variant of Uncertain Significance.